The following is an entry in ClinVar:

ClinVar aggregate classification (germline): Uncertain significance (1 of 4 stars; one submission).

gnomAD v4.1: 1 of 1,613,058 alleles (0.000062%); highest among the groups gnomAD compares: Non-Finnish European, 0.000085%; no homozygotes.

Submission:

Labcorp Genetics (formerly Invitae), Labcorp
Classification: Uncertain significance. Last evaluated: 2026-01-22. Review status: criteria provided, single submitter. Criteria: Invitae Variant Classification Sherloc (09022015). Collection method: clinical testing. Allele origin: germline.
Comment: This sequence change replaces valine, which is neutral and non-polar, with leucine, which is neutral and non-polar, at codon 569 of the RFWD3 protein (p.Val569Leu). This variant is not present in population databases (gnomAD no frequency). This variant has not been reported in the literature in individuals affected with RFWD3-related conditions. An algorithm developed to predict the effect of missense changes on protein structure and function outputs the following: PolyPhen-2: "Benign". The leucine amino acid residue is found in multiple mammalian species, which suggests that this missense change does not adversely affect protein function. In summary, the available evidence is currently insufficient to determine the role of this variant in disease. Therefore, it has been classified as a Variant of Uncertain Significance.

NM_018124.4(RFWD3):c.1705G>T (p.Val569Leu)

Gene: RFWD3 (ring finger and WD repeat domain 3; minus strand). Cytogenetic location: 16q23.1.
Variant type: single nucleotide variant.
Coding change: c.1705G>T on transcript NM_018124.4 (MANE Select); coding-DNA position 1705, G replaced by T.
Protein change: p.Val569Leu; replaces valine 569 with leucine.
Molecular consequence: missense variant. On other transcripts: intron variant (1).
Genome position (GRCh38, 1-based): chr16:74,630,830, C>A on the plus strand (G>T on the coding strand, the complement: RFWD3 is on the minus strand). VCF-style: chr16-74630830-C-A. GRCh37 (hg19) VCF-style: chr16-74664728-C-A.
Other names: c.1705G>T, p.Val569Leu (NM_001370534.1, NM_001370535.1); c.871G>T, p.Val291Leu (NM_001370537.1, NM_001370539.1, NM_001370540.1 and 2 more transcripts); c.1577+1693G>T (NM_001370536.1); short protein forms V291L, V569L.
Identifiers: ClinVar variation 4805794 (VCV004805794.1).